The following is an entry in ClinVar:

NM_015346.4(ZFYVE26):c.7371+3A>G

Gene: ZFYVE26 (zinc finger FYVE-type containing 26; minus strand). Cytogenetic location: 14q24.1.
Variant type: single nucleotide variant.
Coding change: c.7371+3A>G on transcript NM_015346.4 (MANE Select); 3 bases into the intron after coding-DNA position 7371, A replaced by G.
Molecular consequence: intron variant.
Genome position (GRCh38, 1-based): chr14:67,752,341, T>C on the plus strand (A>G on the coding strand, the complement: ZFYVE26 is on the minus strand). VCF-style: chr14-67752341-T-C. GRCh37 (hg19) VCF-style: chr14-68219058-T-C.
Identifiers: ClinVar variation 1353245 (VCV001353245.4), dbSNP rs763064457, ClinGen allele CA7238994.

ClinVar aggregate classification (germline): Uncertain significance (1 of 4 stars; one submission).

Conditions:
Spastic paraplegia. Identifiers: MedGen C0037772, HP:0001258.

Allele frequency attached by ClinVar (database versions not stated): gnomAD 0.00001; TOPMed 0.00002; gnomAD exomes 0.00004 and 0.00005; ExAC 0.00006.
gnomAD v4.1: 76 of 1,608,256 alleles (0.0047%); highest among the groups gnomAD compares: Non-Finnish European, 0.0065%; no homozygotes.

Submission:

Labcorp Genetics (formerly Invitae), Labcorp
Classification: Uncertain significance for Spastic paraplegia. Last evaluated: 2024-07-08. Review status: criteria provided, single submitter. Criteria: Invitae Variant Classification Sherloc (09022015). Collection method: clinical testing. Allele origin: germline.
Comment: This sequence change falls in intron 40 of the ZFYVE26 gene. It does not directly change the encoded amino acid sequence of the ZFYVE26 protein. It affects a nucleotide within the consensus splice site. This variant is present in population databases (rs763064457, gnomAD 0.007%). This variant has not been reported in the literature in individuals affected with ZFYVE26-related conditions. ClinVar contains an entry for this variant (Variation ID: 1353245). Variants that disrupt the consensus splice site are a relatively common cause of aberrant splicing (PMID: 17576681, 9536098). Algorithms developed to predict the effect of sequence changes on RNA splicing suggest that this variant is not likely to affect RNA splicing. In summary, the available evidence is currently insufficient to determine the role of this variant in disease. Therefore, it has been classified as a Variant of Uncertain Significance.

Literature cited by the submitters: PubMed 17576681; PubMed 9536098.